The following is an entry in ClinVar:

NM_000350.3(ABCA4):c.5241C>T (p.Ile1747=)

Gene: ABCA4 (ATP binding cassette subfamily A member 4; minus strand). Cytogenetic location: 1p22.1.
Variant type: single nucleotide variant.
Coding change: c.5241C>T on transcript NM_000350.3 (MANE Select); coding-DNA position 5241, C replaced by T.
Protein change: p.Ile1747=; no amino-acid change (isoleucine 1747 retained).
Molecular consequence: synonymous variant.
Genome position (GRCh38, 1-based): chr1:94,015,810, G>A on the plus strand (C>T on the coding strand, the complement: ABCA4 is on the minus strand). VCF-style: chr1-94015810-G-A. GRCh37 (hg19) VCF-style: chr1-94481366-G-A.
Other names: c.5019C>T, p.Ile1673= (NM_001425324.1).
Identifiers: ClinVar variation 875689 (VCV000875689.16), dbSNP rs548431469, ClinGen allele CA957335.

ClinVar aggregate classification (germline): Conflicting classifications of pathogenicity. Review status: criteria provided, conflicting classifications (1 of 4 stars). 4 submissions from 4 submitters: Uncertain significance (1); Benign (1); Likely benign (2). Last evaluated 2026-01-22.

Conditions:
ABCA4-related disorder. Also called: ABCA4-related disorders; ABCA4-related condition. Identifiers: MedGen CN239167.

Allele frequency attached by ClinVar (database versions not stated): gnomAD 0.00004 and 0.00011; TOPMed 0.00005; 1000 Genomes Project 30x 0.00016; 1000 Genomes Project 0.00020; ExAC 0.00054.
gnomAD v4.1: 411 of 1,613,910 alleles (0.025%); highest among the groups gnomAD compares: South Asian, 0.36%; no homozygotes.

Submissions (4):

Labcorp Genetics (formerly Invitae), Labcorp
Classification: Benign. Last evaluated: 2026-01-22. Review status: criteria provided, single submitter. Criteria: Invitae Variant Classification Sherloc (09022015). Collection method: clinical testing. Allele origin: germline.

PreventionGenetics, part of Exact Sciences
Classification: Likely benign for ABCA4-related condition. Last evaluated: 2024-11-21. Review status: criteria provided, single submitter. Criteria: ACMG Guidelines, 2015. Collection method: clinical testing. Allele origin: germline.
Comment: This variant is classified as likely benign based on ACMG/AMP sequence variant interpretation guidelines (Richards et al. 2015 PMID: 25741868, with internal and published modifications).

Blueprint Genetics
Classification: Likely benign. Last evaluated: 2023-10-05. Review status: criteria provided, single submitter. Criteria: ACMG Guidelines, 2015. Collection method: clinical testing. Allele origin: germline.

Illumina Laboratory Services, Illumina
Classification: Uncertain significance for ABCA4-Related Disorders. Last evaluated: 2018-01-13. Review status: criteria provided, single submitter. Criteria: ICSL Variant Classification Criteria 13 December 2019. Collection method: clinical testing. Allele origin: germline.